The following is an entry in ClinVar:

ClinVar aggregate classification (germline): Conflicting classifications of pathogenicity. Review status: criteria provided, conflicting classifications (1 of 4 stars). 5 submissions from 5 submitters: Likely pathogenic (1); Uncertain significance (3). 1 of the submissions does not count toward it. Last evaluated 2026-05-29.

Conditions:
Primary hyperoxaluria type 3. Also called: PH III. Identifiers: Orphanet 416, Orphanet 93600, MedGen C3150878, MONDO:0013327, OMIM 613616. Disease mechanism: loss of function.

Allele frequency attached by ClinVar (database versions not stated): gnomAD exomes 0.00001 and 0.00003; gnomAD 0.00002 and 0.00003; ExAC 0.00005; TOPMed 0.00005; 1000 Genomes Project 30x 0.00031; 1000 Genomes Project 0.00040.
gnomAD v4.1: 15 of 1,613,970 alleles (0.00093%); highest among the groups gnomAD compares: African/African-American, 0.0053%; no homozygotes.

Submissions (5):

Myriad Genetics, Inc.
Classification: Uncertain significance for Primary hyperoxaluria type 3. Last evaluated: 2026-05-29. Review status: criteria provided, single submitter. Criteria: Myriad Autosomal Dominant, Autosomal Recessive and X-Linked Classification Criteria (2023). Collection method: clinical testing. Allele origin: unknown.
Comment: NM_138413.3(HOGA1):c.331G>A(G111R) is a missense variant classified as a variant of uncertain significance in the context of primary hyperoxaluria type 3. G111R has been observed in a case with relevant disease (PMID: 34805638). Relevant functional assessments of this variant are not available in the literature. G111R has been observed in referenced population frequency databases. In summary, there is insufficient evidence to classify NM_138413.3(HOGA1):c.331G>A(G111R) as pathogenic or benign. Please note: this variant was assessed in the context of healthy population screening.

Labcorp Genetics (formerly Invitae), Labcorp
Classification: Likely pathogenic. Last evaluated: 2025-11-25. Review status: criteria provided, single submitter. Criteria: Invitae Variant Classification Sherloc (09022015). Collection method: clinical testing. Allele origin: germline.
Comment: This sequence change replaces glycine, which is neutral and non-polar, with arginine, which is basic and polar, at codon 111 of the HOGA1 protein (p.Gly111Arg). This variant is present in population databases (rs200529020, gnomAD 0.01%). This missense change has been observed in individual(s) with clinical features of HOGA1-related conditions (PMID: 34805638). ClinVar contains an entry for this variant (Variation ID: 397590). Invitae Evidence Modeling of protein sequence and biophysical properties (such as structural, functional, and spatial information, amino acid conservation, physicochemical variation, residue mobility, and thermodynamic stability) indicates that this missense variant is expected to disrupt HOGA1 protein function with a positive predictive value of 95%. In summary, the currently available evidence indicates that the variant is pathogenic, but additional data are needed to prove that conclusively. Therefore, this variant has been classified as Likely Pathogenic.

Women's Health and Genetics/Laboratory Corporation of America, LabCorp
Classification: Uncertain significance. Last evaluated: 2024-06-21. Review status: criteria provided, single submitter. Criteria: LabCorp Variant Classification Summary - May 2015. Collection method: clinical testing. Allele origin: germline.
Comment: Variant summary: HOGA1 c.331G>A (p.Gly111Arg) results in a non-conservative amino acid change in the encoded protein sequence. Five of five in-silico tools predict a damaging effect of the variant on protein function. The variant allele was found at a frequency of 3.2e-05 in 251306 control chromosomes (gnomAD). The available data on variant occurrences in the general population are insufficient to allow any conclusion about variant significance. c.331G>A has been reported in the literature in at least one individual affected with Primary Hyperoxaluria, Type III (Cogal_2021). These data do not allow any conclusion about variant significance. To our knowledge, no experimental evidence demonstrating an impact on protein function has been reported. The following publication have been ascertained in the context of this evaluation (PMID: 34805638). ClinVar contains an entry for this variant (Variation ID: 397590). Based on the evidence outlined above, the variant was classified as uncertain significance.

Blueprint Genetics
Classification: Uncertain significance. Last evaluated: 2019-09-03. Review status: criteria provided, single submitter. Criteria: ACMG Guidelines, 2015. Collection method: clinical testing. Allele origin: germline.

Bioscientia Institut fuer Medizinische Diagnostik GmbH, Sonic Healthcare
Classification: Likely pathogenic for Primary hyperoxaluria type 3. Review status: no assertion criteria provided. Collection method: clinical testing. Allele origin: germline. Affected: yes. Not counted in ClinVar's aggregate classification.

Literature cited by the submitters: PubMed 34805638 (cited by 3 submitters).

NM_138413.4(HOGA1):c.331G>A (p.Gly111Arg)

Gene: HOGA1 (4-hydroxy-2-oxoglutarate aldolase 1; plus strand). Cytogenetic location: 10q24.2.
Variant type: single nucleotide variant.
Coding change: c.331G>A on transcript NM_138413.4 (MANE Select); coding-DNA position 331, G replaced by A.
Protein change: p.Gly111Arg; replaces glycine 111 with arginine.
Molecular consequence: missense variant. On other transcripts: intron variant (1).
Genome position (GRCh38, 1-based): chr10:97,598,894, G>A. VCF-style: chr10-97598894-G-A. GRCh37 (hg19) VCF-style: chr10-99358651-G-A.
Other names: c.212-2963G>A (NM_001134670.2); short protein forms G111R.
Identifiers: ClinVar variation 397590 (VCV000397590.6), dbSNP rs200529020, ClinGen allele CA5634050.